The following is an entry in ClinVar:

ClinVar aggregate classification (germline): Uncertain significance (1 of 4 stars; one submission).

Submission:

GeneDx
Classification: Uncertain significance. Last evaluated: 2026-02-24. Review status: criteria provided, single submitter. Criteria: GeneDx Variant Classification Process June 2021. Collection method: clinical testing. Allele origin: germline.
Comment: Not observed at significant frequency in large population cohorts (gnomAD); In silico analysis supports that this missense variant has a deleterious effect on protein structure/function; Has not been previously published as pathogenic or benign to our knowledge

NM_023067.4(FOXL2):c.295C>G (p.Gln99Glu)

Gene: FOXL2 (forkhead box L2; minus strand). Cytogenetic location: 3q22.3.
Variant type: single nucleotide variant.
Coding change: c.295C>G on transcript NM_023067.4 (MANE Select); coding-DNA position 295, C replaced by G.
Protein change: p.Gln99Glu; replaces glutamine 99 with glutamic acid.
Molecular consequence: missense variant.
Genome position (GRCh38, 1-based): chr3:138,946,428, G>C on the plus strand (C>G on the coding strand, the complement: FOXL2 is on the minus strand). VCF-style: chr3-138946428-G-C. GRCh37 (hg19) VCF-style: chr3-138665270-G-C.
Other names: short protein forms Q99E.
Identifiers: ClinVar variation 5007958 (VCV005007958.1).
Genomic context (GRCh38, chr3:138,946,428, plus strand): 5'-CCTCGCGCGGCACCTTGATGAAGCACTCGTTGAGGCTGAGGTTGTGGCGGATGCTATTTT[G>C]CCAGCCCTTCTTATTCTTCTCGTAGAACGGGAACTTCGCGATGATGTACTGGTAGATGCC-3'
Protein context (NP_075555.1, residues 89-109): PFYEKNKKGW[Gln99Glu]NSIRHNLSLN